The following is an entry in ClinVar:

ClinVar aggregate classification (germline): Uncertain significance. Review status: criteria provided, multiple submitters, no conflicts (2 of 4 stars). 3 submissions from 3 submitters: Uncertain significance (3). Last evaluated 2026-07-19.

Conditions:
Long QT syndrome (LQTS). Identifiers: MedGen C0023976, MeSH D008133, MONDO:0002442. Disease mechanism: loss of function. Inheritance: Various modes of inheritance.
Cardiovascular phenotype. Identifiers: MedGen CN230736.

Submissions (3):

Ambry Genetics
Classification: Uncertain significance for Cardiovascular phenotype. Last evaluated: 2026-07-19. Review status: criteria provided, single submitter. Criteria: Ambry Variant Classification Scheme 2023. Collection method: clinical testing. Allele origin: germline.
Comment: The p.V221M variant (also known as c.661G>A), located in coding exon 4 of the KCNQ1 gene, results from a G to A substitution at nucleotide position 661. The valine at codon 221 is replaced by methionine, an amino acid with highly similar properties. This amino acid position is conserved. In addition, this alteration is predicted to be deleterious by in silico analysis. Based on the available evidence, the clinical significance of this variant remains unclear.

Labcorp Genetics (formerly Invitae), Labcorp
Classification: Uncertain significance for Long QT syndrome. Last evaluated: 2023-06-21. Review status: criteria provided, single submitter. Criteria: Invitae Variant Classification Sherloc (09022015). Collection method: clinical testing. Allele origin: germline.
Comment: This sequence change replaces valine, which is neutral and non-polar, with methionine, which is neutral and non-polar, at codon 221 of the KCNQ1 protein (p.Val221Met). This variant is not present in population databases (gnomAD no frequency). This variant has not been reported in the literature in individuals affected with KCNQ1-related conditions. Advanced modeling of protein sequence and biophysical properties (such as structural, functional, and spatial information, amino acid conservation, physicochemical variation, residue mobility, and thermodynamic stability) performed at Invitae indicates that this missense variant is expected to disrupt KCNQ1 protein function. In summary, the available evidence is currently insufficient to determine the role of this variant in disease. Therefore, it has been classified as a Variant of Uncertain Significance.

All of Us Research Program, National Institutes of Health
Classification: Uncertain significance for Long QT syndrome. Last evaluated: 2023-05-08. Review status: criteria provided, single submitter. Criteria: ACMG Guidelines, 2015. Collection method: clinical testing. Allele origin: germline. Inheritance: Autosomal dominant inheritance. Observed: 1 variant allele, 1 heterozygote.
Comment: This study involves interpretation of variants in research participants for the purpose of population health screening. Participant phenotype was not available at the time of variant classification. Additional details can be found in publication PMID: 35346344, PMCID: PMC8962531

NM_000218.3(KCNQ1):c.661G>A (p.Val221Met)

Gene: KCNQ1 (potassium voltage-gated channel subfamily Q member 1; plus strand). Cytogenetic location: 11p15.5.
Variant type: single nucleotide variant.
Coding change: c.661G>A on transcript NM_000218.3 (MANE Select); coding-DNA position 661, G replaced by A.
Protein change: p.Val221Met; replaces valine 221 with methionine.
Molecular consequence: missense variant. On other transcripts: intron variant (1).
Genome position (GRCh38, 1-based): chr11:2,571,381, G>A. VCF-style: chr11-2571381-G-A. GRCh37 (hg19) VCF-style: chr11-2592611-G-A.
Other names: c.661G>A, p.Val221Met (NM_001406836.1); c.391G>A, p.Val131Met (NM_001406837.1); c.280G>A, p.Val94Met (NM_181798.2); c.478-12054G>A (NM_001406838.1); short protein forms V131M, V221M, V94M.
Identifiers: ClinVar variation 2816193 (VCV002816193.5), dbSNP rs2493669929, ClinGen allele CA379130637.